The following is an entry in ClinVar:

ClinVar aggregate classification (germline): Conflicting classifications of pathogenicity. Review status: criteria provided, conflicting classifications (1 of 4 stars). 4 submissions from 4 submitters: Likely pathogenic (1); Uncertain significance (3). Last evaluated 2026-04-22.

Conditions:
Monogenic short statue.
Acromesomelic dysplasia 1, Maroteaux type (AMD1). Also called: ST. HELENA DYSPLASIA; ACROMESOMELIC DYSPLASIA 1. Identifiers: Orphanet 40, MedGen C1864356, MONDO:0011275, OMIM 602875.
Tall stature-scoliosis-macrodactyly of the great toes syndrome. Also called: Epiphyseal chondrodysplasia, miura type. Identifiers: Orphanet 329191, MedGen C4014690, MONDO:0014401, OMIM 615923.
Short stature with nonspecific skeletal abnormalities 1 (SNSK1). Identifiers: MedGen CN379227, MONDO:0014551, OMIM 616255.

Allele frequency attached by ClinVar (database versions not stated): gnomAD 0.00001 and 0.00002; TOPMed 0.00002; gnomAD exomes 0.00006 and 0.00007; 1000 Genomes Project 0.00020; ExAC 0.00006; ESP Exome Variant Server 0.00008; 1000 Genomes Project 30x 0.00016.
gnomAD v4.1: 98 of 1,614,058 alleles (0.0061%); highest among the groups gnomAD compares: South Asian, 0.016%; no homozygotes.

Submissions (4):

NHS Central & South Genomic Laboratory Hub
Classification: Likely pathogenic for Monogenic short statue. Last evaluated: 2026-04-22. Review status: criteria provided, single submitter. Criteria: ACMG Guidelines, 2015. Collection method: clinical testing. Allele origin: germline. Affected: yes.

Labcorp Genetics (formerly Invitae), Labcorp
Classification: Uncertain significance for Tall stature-scoliosis-macrodactyly of the great toes syndrome; Acromesomelic dysplasia 1, Maroteaux type. Last evaluated: 2024-10-29. Review status: criteria provided, single submitter. Criteria: Invitae Variant Classification Sherloc (09022015). Collection method: clinical testing. Allele origin: germline.
Comment: This sequence change replaces isoleucine, which is neutral and non-polar, with threonine, which is neutral and polar, at codon 908 of the NPR2 protein (p.Ile908Thr). This variant is present in population databases (rs369313283, gnomAD 0.02%). This variant has not been reported in the literature in individuals affected with NPR2-related conditions. ClinVar contains an entry for this variant (Variation ID: 194950). Invitae Evidence Modeling of protein sequence and biophysical properties (such as structural, functional, and spatial information, amino acid conservation, physicochemical variation, residue mobility, and thermodynamic stability) indicates that this missense variant is expected to disrupt NPR2 protein function with a positive predictive value of 80%. In summary, the available evidence is currently insufficient to determine the role of this variant in disease. Therefore, it has been classified as a Variant of Uncertain Significance.

Eurofins Ntd Llc (ga)
Classification: Uncertain significance. Last evaluated: 2015-06-01. Review status: criteria provided, single submitter. Criteria: EGL Classification Definitions 2015. Collection method: clinical testing. Allele origin: germline. Observed: 1 variant allele, 1 heterozygote.

Juno Genomics, Hangzhou Juno Genomics, Inc
Classification: Uncertain significance for Short stature with nonspecific skeletal abnormalities 1; Acromesomelic dysplasia 1, Maroteaux type; Tall stature-scoliosis-macrodactyly of the great toes syndrome. Review status: criteria provided, single submitter. Criteria: ACMG Guidelines, 2015. Collection method: clinical testing. Allele origin: germline.
Comment: Absent from controls (or at extremely low frequency if recessive) in Genome Aggregation Database.;Missense variant in a gene that has a low rate of benign missense variation.;Multiple lines of computational evidence support a deleterious effect on the gene or gene product.

NM_003995.4(NPR2):c.2723T>C (p.Ile908Thr)

Genes: NPR2 (natriuretic peptide receptor 2; plus strand), SPAG8 (sperm associated antigen 8; minus strand). Cytogenetic location: 9p13.3.
Variant type: single nucleotide variant.
Coding change: c.2723T>C on transcript NM_003995.4 (MANE Select); coding-DNA position 2723, T replaced by C.
Protein change: p.Ile908Thr; replaces isoleucine 908 with threonine.
Molecular consequence: missense variant. On other transcripts: intron variant (2).
Genome position (GRCh38, 1-based): chr9:35,808,519, T>C. VCF-style: chr9-35808519-T-C. GRCh37 (hg19) VCF-style: chr9-35808516-T-C.
Other names: c.2732T>C, p.Ile911Thr (NM_001378923.1); c.1201-213A>G (NM_001366760.2); c.1373-213A>G (NM_172312.2); short protein forms I908T, I911T.
Identifiers: ClinVar variation 194950 (VCV000194950.16), dbSNP rs369313283, ClinGen allele CA241195.